The following is an entry in ClinVar:

NM_000032.5(ALAS2):c.1178T>C (p.Phe393Ser)

Gene: ALAS2 (5'-aminolevulinate synthase 2; minus strand). Cytogenetic location: Xp11.21.
Variant type: single nucleotide variant.
Coding change: c.1178T>C on transcript NM_000032.5 (MANE Select); coding-DNA position 1178, T replaced by C.
Protein change: p.Phe393Ser; replaces phenylalanine 393 with serine.
Molecular consequence: missense variant.
Genome position (GRCh38, 1-based): chrX:55,015,006, A>G on the plus strand (T>C on the coding strand, the complement: ALAS2 is on the minus strand). VCF-style: chrX-55015006-A-G. GRCh37 (hg19) VCF-style: chrX-55041439-A-G.
Other names: c.1139T>C, p.Phe380Ser (NM_001037968.4); c.1067T>C, p.Phe356Ser (NM_001037967.4); short protein forms F356S, F380S, F393S.
Identifiers: ClinVar variation 3382870 (VCV003382870.2).

ClinVar aggregate classification (germline): Uncertain significance (1 of 4 stars; one submission).

Conditions:
X-linked erythropoietic protoporphyria. Also called: X-Linked Protoporphyria; ERYTHROHEPATIC PROTOPORPHYRIA, X-LINKED; Erythropoietic Protoporphyria, X-Linked Dominant. Identifiers: Orphanet 443197, MedGen C2677889, MONDO:0010420, OMIM 300752.
X-linked sideroblastic anemia 1. Also called: Erythroid 5-aminolevulinate synthase deficiency; X chromosome-linked sideroblastic anemia; Anemia, sideroblastic, 1; ANEMIA, SIDEROBLASTIC, 1, PYRIDOXINE REFRACTORY; Anemia, hereditary sideroblastic 1, pyridoxine refractory; X-linked pyridoxine-refractory sideroblastic anemia. Identifiers: Orphanet 75563, MedGen C4551511, MONDO:0020721, OMIM 300751. Disease mechanism: loss of function.

Submission:

Juno Genomics, Hangzhou Juno Genomics, Inc
Classification: Uncertain significance for X-linked sideroblastic anemia 1; X-linked erythropoietic protoporphyria. Review status: criteria provided, single submitter. Criteria: ACMG Guidelines, 2015. Collection method: clinical testing. Allele origin: germline. Affected: yes.
Comment: Absent from controls (or at extremely low frequency if recessive) in Genome Aggregation Database, Exome Sequencing Project, 1000 Genomes Project, or Exome Aggregation Consortium.;Patient's phenotype or family history is highly specific for a disease with a single genetic etiology.;De novo (both maternity and paternity confirmed) in a patient with the disease and no family history.;Multiple lines of computational evidence support a deleterious effect on the gene or gene product (conservation, evolutionary, splicing impact, etc).